The following is an entry in ClinVar:

NM_000939.4(POMC):c.434G>A (p.Arg145His)

Gene: POMC (proopiomelanocortin; minus strand). Cytogenetic location: 2p23.3.
Variant type: single nucleotide variant.
Coding change: c.434G>A on transcript NM_000939.4 (MANE Select); coding-DNA position 434, G replaced by A.
Protein change: p.Arg145His; replaces arginine 145 with histidine.
Molecular consequence: missense variant.
Genome position (GRCh38, 1-based): chr2:25,161,451, C>T on the plus strand (G>A on the coding strand, the complement: POMC is on the minus strand). VCF-style: chr2-25161451-C-T. GRCh37 (hg19) VCF-style: chr2-25384320-C-T.
Other names: c.434G>A, p.Arg145His (NM_001035256.3, NM_001319204.2, NM_001319205.2); c.434G>A (NM_000939.3); short protein forms R145H.
Identifiers: ClinVar variation 1368345 (VCV001368345.11), dbSNP rs45463492, ClinGen allele CA1555296.
Genomic context (GRCh38, chr2:25,161,451, plus strand): 5'-TCGGCGCCGTTAGGGTACACCTTCACTGGGCGCCGCTTCTTGCCCACCGGCTTGCCCCAG[C>T]GGAAGTGCTCCATGGAGTAGGAGCGCTTGCCCTCGCGCGGGCCCGGCTTGGCACCATCGC-3'
Protein context (NP_000930.1, residues 135-155): GKRSYSMEHF[Arg145His]WGKPVGKKRR

ClinVar aggregate classification (germline): Uncertain significance. Review status: criteria provided, multiple submitters, no conflicts (2 of 4 stars). 3 submissions from 3 submitters: Uncertain significance (3). Last evaluated 2026-08-31.

Conditions:
Obesity due to pro-opiomelanocortin deficiency. Also called: OBESITY, EARLY-ONSET, WITH ADRENAL INSUFFICIENCY AND RED HAIR; Obesity, adrenal insufficiency, and red hair due to POMC deficiency; PROOPIOMELANOCORTIN DEFICIENCY. Identifiers: Orphanet 71526, MedGen C1857854, MONDO:0012335, OMIM 609734.
Obesity. Also called: Obesity disorder. Identifiers: Orphanet 71529, MedGen C0028754, MeSH D009765, MONDO:0011122, HP:0001513.
POMC-related disorder. Also called: POMC-related condition; POMC-related disorders.

Allele frequency attached by ClinVar (database versions not stated): ESP Exome Variant Server 0.00008.
gnomAD v4.1: 44 of 1,609,972 alleles (0.0027%); highest among the groups gnomAD compares: African/African-American, 0.056%; no homozygotes.

Submissions (3):

PreventionGenetics, part of Exact Sciences
Classification: Uncertain significance for POMC-related condition. Last evaluated: 2026-08-31. Review status: criteria provided, single submitter. Criteria: ACMG Guidelines, 2015. Collection method: clinical testing. Allele origin: germline.
Comment: The POMC c.434G>A variant is predicted to result in the amino acid substitution p.Arg145His. This variant was observed in a cohort of obese individuals, and in vitro functional studies show moderate evidence of loss of function (24% residual activity, Table 3 and Supplemental Data Set 4, Shah et al. 2023. PubMed ID: 36864747). However, this variant is reported in 0.054% of alleles in individuals of African descent in gnomAD, which is likely too common for a highly penetrant pathogenic variant and is consistently interpreted as uncertain in ClinVar (Variation ID: 1368345). Alternate missense changes at the same amino acid position (p.Arg145Cys, p.Arg145Gly, p.Arg145Leu) have been reported to be likely pathogenic (Samuels. 2013. PubMed ID: 23293326; Table S4, Shah et al. 2023. PubMed ID: 36864747; Table S3, Kaisinger. 2023. PubMed ID: 37601970). At this time, the clinical significance of this variant is uncertain due to the absence of conclusive functional and genetic evidence.

Labcorp Genetics (formerly Invitae), Labcorp
Classification: Uncertain significance. Last evaluated: 2021-07-14. Review status: criteria provided, single submitter. Criteria: Invitae Variant Classification Sherloc (09022015). Collection method: clinical testing. Allele origin: germline.
Comment: This variant has not been reported in the literature in individuals affected with POMC-related conditions. Algorithms developed to predict the effect of missense changes on protein structure and function are either unavailable or do not agree on the potential impact of this missense change (SIFT: "Not Available"; PolyPhen-2: "Probably Damaging"; Align-GVGD: "Not Available"). This variant disrupts the p.Arg145 amino acid residue in POMC. Other variant(s) that disrupt this residue have been determined to be pathogenic (PMID: 9620771, 23293326, 23649472, 27906547). This suggests that this residue is clinically significant, and that variants that disrupt this residue are likely to be disease-causing. In summary, the available evidence is currently insufficient to determine the role of this variant in disease. Therefore, it has been classified as a Variant of Uncertain Significance. This sequence change replaces arginine with histidine at codon 145 of the POMC protein (p.Arg145His). The arginine residue is highly conserved and there is a small physicochemical difference between arginine and histidine. This variant is present in population databases (rs45463492, ExAC 0.05%).

Fulgent Genetics
Classification: Uncertain significance for Inherited obesity; Obesity due to pro-opiomelanocortin deficiency. Last evaluated: 2021-07-09. Review status: criteria provided, single submitter. Criteria: ACMG Guidelines, 2015. Collection method: clinical testing. Allele origin: unknown.

Literature cited by the submitters: PubMed 9620771 (cited by Labcorp Genetics (formerly Invitae), Labcorp); PubMed 23293326 (cited by Labcorp Genetics (formerly Invitae), Labcorp); PubMed 23649472 (cited by Labcorp Genetics (formerly Invitae), Labcorp); PubMed 27906547 (cited by Labcorp Genetics (formerly Invitae), Labcorp).